The following is an entry in ClinVar:

ClinVar aggregate classification (germline): Uncertain significance. Review status: criteria provided, single submitter (1 of 4 stars). 2 submissions from 2 submitters: Uncertain significance (1). 1 of the submissions does not count toward it. Last evaluated 2025-11-24.

Conditions:
COL4A3-related disorder. Also called: COL4A3-related condition; COL4A3-Related Disorders.

gnomAD v4.1: 2 of 1,613,394 alleles (0.00012%); highest among the groups gnomAD compares: East Asian, 0.0022%; no homozygotes.

Submissions (2):

Labcorp Genetics (formerly Invitae), Labcorp
Classification: Uncertain significance. Last evaluated: 2025-11-24. Review status: criteria provided, single submitter. Criteria: Invitae Variant Classification Sherloc (09022015). Collection method: clinical testing. Allele origin: germline.
Comment: This sequence change replaces proline, which is neutral and non-polar, with leucine, which is neutral and non-polar, at codon 989 of the COL4A3 protein (p.Pro989Leu). The frequency data for this variant in the population databases is considered unreliable, as metrics indicate poor data quality at this position in the gnomAD database. This variant has not been reported in the literature in individuals affected with COL4A3-related conditions. ClinVar contains an entry for this variant (Variation ID: 3344973). Invitae Evidence Modeling of protein sequence and biophysical properties (such as structural, functional, and spatial information, amino acid conservation, physicochemical variation, residue mobility, and thermodynamic stability) indicates that this missense variant is not expected to disrupt COL4A3 protein function with a negative predictive value of 95%. Algorithms developed to predict the effect of sequence changes on RNA splicing suggest that this variant may disrupt the consensus splice site. In summary, the available evidence is currently insufficient to determine the role of this variant in disease. Therefore, it has been classified as a Variant of Uncertain Significance.

PreventionGenetics, part of Exact Sciences
Classification: Uncertain significance for COL4A3-related condition. Last evaluated: 2024-05-09. Review status: no assertion criteria provided. Collection method: clinical testing. Allele origin: germline. Not counted in ClinVar's aggregate classification.
Comment: The COL4A3 c.2966C>T variant is predicted to result in the amino acid substitution p.Pro989Leu. To our knowledge, this variant has not been reported in the literature. This variant is reported in 0.00089% of alleles in individuals of European (Non-Finnish) descent in gnomAD. At this time, the clinical significance of this variant is uncertain due to the absence of conclusive functional and genetic evidence.

NM_000091.5(COL4A3):c.2966C>T (p.Pro989Leu)

Genes: COL4A3 (collagen type IV alpha 3 chain; plus strand), MFF-DT (MFF divergent transcript; minus strand). Cytogenetic location: 2q36.3.
Variant type: single nucleotide variant.
Coding change: c.2966C>T on transcript NM_000091.5 (MANE Select); coding-DNA position 2966, C replaced by T.
Protein change: p.Pro989Leu; replaces proline 989 with leucine.
Molecular consequence: missense variant.
Genome position (GRCh38, 1-based): chr2:227,289,234, C>T. VCF-style: chr2-227289234-C-T. GRCh37 (hg19) VCF-style: chr2-228153950-C-T.
Other names: short protein forms P989L.
Identifiers: ClinVar variation 3344973 (VCV003344973.2).